The following is an entry in ClinVar:

NM_001401501.2(MUC16):c.32796T>A (p.Thr10932=)

Gene: MUC16 (mucin 16, cell surface associated; minus strand). Cytogenetic location: 19p13.2.
Variant type: single nucleotide variant.
Coding change: c.32796T>A on transcript NM_001401501.2 (MANE Select); coding-DNA position 32796, T replaced by A.
Protein change: p.Thr10932=; no amino-acid change (threonine 10932 retained).
Molecular consequence: synonymous variant.
Genome position (GRCh38, 1-based): chr19:8,938,279, A>T on the plus strand (T>A on the coding strand, the complement: MUC16 is on the minus strand). VCF-style: chr19-8938279-A-T. GRCh37 (hg19) VCF-style: chr19-9048955-A-T.
Other names: c.33222T>A, p.Thr11074= (NM_001414686.1); c.32676T>A, p.Thr10892= (NM_001414687.1, NM_024690.2).
Identifiers: ClinVar variation 2649233 (VCV002649233.24), dbSNP rs1332765787, ClinGen allele CA505435486.

ClinVar aggregate classification (germline): Likely benign (1 of 4 stars; one submission).

Allele frequency attached by ClinVar (database versions not stated): gnomAD exomes below 0.00001; TOPMed below 0.00001; gnomAD 0.00001.

Submission:

CeGaT Center for Human Genetics Tuebingen
Classification: Likely benign. Last evaluated: 2023-01-01. Review status: criteria provided, single submitter. Criteria: CeGaT Center For Human Genetics Tuebingen Variant Classification Criteria Version 2. Collection method: clinical testing. Allele origin: germline. Affected: yes. Observed: 1 variant allele.
Comment: MUC16: BP4, BP7